The following is an entry in ClinVar:

ClinVar aggregate classification (germline): Uncertain significance (1 of 4 stars; one submission).

Allele frequency attached by ClinVar (database versions not stated): gnomAD exomes below 0.00001; ExAC 0.00001; gnomAD 0.00001.
gnomAD v4.1: 5 of 1,613,602 alleles (0.00031%); highest among the groups gnomAD compares: Non-Finnish European, 0.00042%; no homozygotes.

Submission:

Labcorp Genetics (formerly Invitae), Labcorp
Classification: Uncertain significance. Last evaluated: 2022-09-09. Review status: criteria provided, single submitter. Criteria: Invitae Variant Classification Sherloc (09022015). Collection method: clinical testing. Allele origin: germline.
Comment: This sequence change replaces alanine, which is neutral and non-polar, with threonine, which is neutral and polar, at codon 448 of the IKZF1 protein (p.Ala448Thr). This variant is present in population databases (rs765655969, gnomAD 0.002%). This variant has not been reported in the literature in individuals affected with IKZF1-related conditions. Algorithms developed to predict the effect of missense changes on protein structure and function are either unavailable or do not agree on the potential impact of this missense change (SIFT: "Not Available"; PolyPhen-2: "Benign"; Align-GVGD: "Not Available"). In summary, the available evidence is currently insufficient to determine the role of this variant in disease. Therefore, it has been classified as a Variant of Uncertain Significance.

NM_006060.6(IKZF1):c.1342G>A (p.Ala448Thr)

Gene: IKZF1 (IKAROS family zinc finger 1; plus strand). Cytogenetic location: 7p12.2.
Variant type: single nucleotide variant.
Coding change: c.1342G>A on transcript NM_006060.6 (MANE Select); coding-DNA position 1342, G replaced by A.
Protein change: p.Ala448Thr; replaces alanine 448 with threonine.
Molecular consequence: missense variant.
Genome position (GRCh38, 1-based): chr7:50,400,409, G>A. VCF-style: chr7-50400409-G-A. GRCh37 (hg19) VCF-style: chr7-50468107-G-A.
Other names: c.1216G>A, p.Ala406Thr (NM_001220765.3, NM_001291837.2); c.1051G>A, p.Ala351Thr (NM_001220767.2); c.1081G>A, p.Ala361Thr (NM_001220768.2, NM_001291838.2); c.925G>A, p.Ala309Thr (NM_001220770.2); c.913G>A, p.Ala305Thr (NM_001220771.2, NM_001291841.1); c.955G>A, p.Ala319Thr (NM_001291839.2); c.652G>A, p.Ala218Thr (NM_001291840.1); c.883G>A, p.Ala295Thr (NM_001291842.1); and 3 more; short protein forms A253T, A305T, A406T, A351T, A468T, A218T, A295T, A319T.
Identifiers: ClinVar variation 2095957 (VCV002095957.4), dbSNP rs765655969, ClinGen allele CA4261498.